The following is an entry in ClinVar:

ClinVar aggregate classification (germline): Uncertain significance (1 of 4 stars; one submission).

Conditions:
Familial renal glucosuria (GLYS). Also called: RENAL GLUCOSURIA, AUTOSOMAL DOMINANT; Familial renal glycosuria. Identifiers: Orphanet 69076, MedGen C3245525, MONDO:0009297, OMIM 233100.

Allele frequency attached by ClinVar (database versions not stated): gnomAD 0.00001.

Submission:

Neuberg Centre For Genomic Medicine, NCGM
Classification: Uncertain significance for Familial renal glucosuria. Review status: criteria provided, single submitter. Criteria: ACMG Guidelines, 2015. Collection method: clinical testing. Allele origin: germline. Inheritance: Autosomal dominant inheritance. Affected: yes.
Comment: The missense variant p.C511S in SLC5A2 (NM_003041.4) has not been reported previously as a pathogenic variant nor as a benign variant, to our knowledge. The p.C511S variant is novel (not in any individuals) in gnomAD Exomes and is novel (not in any individuals) in 1000 Genomes.The amino acid Cys at position 511 is changed to a Ser changing protein sequence and it might alter its composition and physico-chemical properties. The p.C511S missense variant is predicted to be damaging by both SIFT and PolyPhen2. The cysteine residue at codon 511 of SLC5A2 is conserved in all mammalian species. The nucleotide c.1532 in SLC5A2 is predicted conserved by GERP++ and PhyloP across 100 vertebrates. For these reasons, this variant has been classified as Uncertain Significance.

NM_003041.4(SLC5A2):c.1532G>C (p.Cys511Ser)

Gene: SLC5A2 (solute carrier family 5 member 2; plus strand). Cytogenetic location: 16p11.2.
Variant type: single nucleotide variant.
Coding change: c.1532G>C on transcript NM_003041.4 (MANE Select); coding-DNA position 1532, G replaced by C.
Protein change: p.Cys511Ser; replaces cysteine 511 with serine.
Molecular consequence: missense variant. On other transcripts: non-coding transcript variant (1).
Genome position (GRCh38, 1-based): chr16:31,489,205, G>C. VCF-style: chr16-31489205-G-C. GRCh37 (hg19) VCF-style: chr16-31500526-G-C.
Other names: short protein forms C511S.
Identifiers: ClinVar variation 2585535 (VCV002585535.1), dbSNP rs1269632021, ClinGen allele CA395755704.
Genomic context (GRCh38, chr16:31,489,205, plus strand): 5'-GGGGCCTGCTGATGGGCCTGGCACGCCTGATTCCCGAGTTCTCCTTCGGCTCGGGCAGCT[G>C]TGTGCAGCCCTCGGCGTGCCCAGCTTTCCTCTGCGGCGTGCACTACCTCTACTTCGCCAT-3'
Protein context (NP_003032.1, residues 501-521): IPEFSFGSGS[Cys511Ser]VQPSACPAFL